The following is an entry in ClinVar:

NM_006361.6(HOXB13):c.671G>A (p.Ser224Asn)

Gene: HOXB13 (homeobox B13; minus strand). Cytogenetic location: 17q21.32.
Variant type: single nucleotide variant.
Coding change: c.671G>A on transcript NM_006361.6 (MANE Select); coding-DNA position 671, G replaced by A.
Protein change: p.Ser224Asn; replaces serine 224 with asparagine.
Molecular consequence: missense variant.
Genome position (GRCh38, 1-based): chr17:48,726,974, C>T on the plus strand (G>A on the coding strand, the complement: HOXB13 is on the minus strand). VCF-style: chr17-48726974-C-T. GRCh37 (hg19) VCF-style: chr17-46804336-C-T.
Other names: short protein forms S224N.
Identifiers: ClinVar variation 3689620 (VCV003689620.2).

ClinVar aggregate classification (germline): Uncertain significance (1 of 4 stars; one submission).

Submission:

Labcorp Genetics (formerly Invitae), Labcorp
Classification: Uncertain significance. Last evaluated: 2024-12-16. Review status: criteria provided, single submitter. Criteria: Invitae Variant Classification Sherloc (09022015). Collection method: clinical testing. Allele origin: germline.
Comment: This sequence change replaces serine, which is neutral and polar, with asparagine, which is neutral and polar, at codon 224 of the HOXB13 protein (p.Ser224Asn). This variant is not present in population databases (gnomAD no frequency). This variant has not been reported in the literature in individuals affected with HOXB13-related conditions. Invitae Evidence Modeling of protein sequence and biophysical properties (such as structural, functional, and spatial information, amino acid conservation, physicochemical variation, residue mobility, and thermodynamic stability) indicates that this missense variant is not expected to disrupt HOXB13 protein function with a negative predictive value of 80%. In summary, the available evidence is currently insufficient to determine the role of this variant in disease. Therefore, it has been classified as a Variant of Uncertain Significance.